The following is an entry in ClinVar:

NM_032119.4(ADGRV1):c.12361C>T (p.Gln4121Ter)

Gene: ADGRV1 (adhesion G protein-coupled receptor V1; plus strand). Cytogenetic location: 5q14.3.
Variant type: single nucleotide variant.
Coding change: c.12361C>T on transcript NM_032119.4 (MANE Select); coding-DNA position 12361, C replaced by T.
Protein change: p.Gln4121Ter; replaces glutamine 4121 with a stop codon.
Molecular consequence: nonsense. On other transcripts: non-coding transcript variant (1).
Genome position (GRCh38, 1-based): chr5:90,774,261, C>T. VCF-style: chr5-90774261-C-T. GRCh37 (hg19) VCF-style: chr5-90070078-C-T.
Other names: short protein forms Q4121*.
Identifiers: ClinVar variation 1452185 (VCV001452185.6), dbSNP rs2150063115, ClinGen allele CA360383831.
Genomic context (GRCh38, chr5:90,774,261, plus strand): 5'-ACCATTGTGTTGCACACACTTCAAGACACAGTGTTGGAGGAGGACAGGCGTTTCACCATT[C>T]AGCTGATATCAATTGATGAGGTAGAAATATCTCCAGTAAAAGGTAAGAGAAATTCACATT-3'

ClinVar aggregate classification (germline): Pathogenic (1 of 4 stars; one submission).

Submission:

Labcorp Genetics (formerly Invitae), Labcorp
Classification: Pathogenic. Last evaluated: 2021-11-25. Review status: criteria provided, single submitter. Criteria: Invitae Variant Classification Sherloc (09022015). Collection method: clinical testing. Allele origin: germline.
Comment: For these reasons, this variant has been classified as Pathogenic. This variant has not been reported in the literature in individuals affected with ADGRV1-related conditions. This variant is not present in population databases (gnomAD no frequency). This sequence change creates a premature translational stop signal (p.Gln4121*) in the ADGRV1 gene. It is expected to result in an absent or disrupted protein product. Loss-of-function variants in ADGRV1 are known to be pathogenic (PMID: 19357117, 22135276, 22147658, 26226137, 26667666, 30029497, 32467589).

Literature cited by the submitters: PubMed 19357117; PubMed 22135276; PubMed 22147658; PubMed 26226137; PubMed 26667666; PubMed 30029497; PubMed 32467589.